The following is an entry in ClinVar:

ClinVar aggregate classification (germline): Pathogenic. Review status: criteria provided, multiple submitters, no conflicts (2 of 4 stars). 3 submissions from 3 submitters: Pathogenic (2). 1 of the submissions does not count toward it. Last evaluated 2025-05-24.

Conditions:
Developmental and epileptic encephalopathy 91. Also called: EPILEPTIC ENCEPHALOPATHY, INFANTILE OR EARLY CHILDHOOD, 1. Identifiers: MedGen C4540199, MONDO:0020630, OMIM 617711.

Submissions (3):

Pediatric Department, Peking University First Hospital
Classification: Pathogenic for Developmental and epileptic encephalopathy 91. Last evaluated: 2025-05-24. Review status: criteria provided, single submitter. Criteria: ACMG Guidelines, 2015. Collection method: research. Allele origin: de novo. Affected: yes.
Comment: Pathogenic(PVS1, PS2, PM2)

GeneDx
Classification: Pathogenic. Last evaluated: 2023-08-30. Review status: criteria provided, single submitter. Criteria: GeneDx Variant Classification Process June 2021. Collection method: clinical testing. Allele origin: germline. Affected: yes.
Comment: Frameshift variant predicted to result in protein truncation, as the last 103 amino acids are replaced with 30 different amino acids, and other loss-of-function variants have been reported downstream in HGMD.; Not observed at significant frequency in large population cohorts (gnomAD); This variant is associated with the following publications: (PMID: 30455226)

Center for Molecular Medicine, Children’s Hospital of Fudan University
Classification: Likely pathogenic for Developmental and epileptic encephalopathy 91. Last evaluated: 2018-02-11. Review status: no assertion criteria provided. Collection method: clinical testing. Allele origin: de novo. Inheritance: Autosomal dominant inheritance. Affected: yes. Observed: 1 variant allele, 1 heterozygote. Not counted in ClinVar's aggregate classification.

Literature cited by the submitters: PubMed 30455226 (cited by Pediatric Department, Peking University First Hospital).

NM_000944.5(PPP3CA):c.1255_1256del (p.Ser419fs)

Gene: PPP3CA (protein phosphatase 3 catalytic subunit alpha; minus strand). Cytogenetic location: 4q24.
Variant type: Microsatellite.
Coding change: c.1255_1256del on transcript NM_000944.5 (MANE Select); coding-DNA positions 1255 to 1256, 2 bases deleted (AG; older notation c.1255_1256delAG).
Protein change: p.Ser419fs; shifts the reading frame from serine 419.
Molecular consequence: frameshift variant.
Genome position (GRCh38, 1-based): chr4:101,032,350-101,032,351, CT deleted on the plus strand (AG on the coding strand, the reverse complement: PPP3CA is on the minus strand); deleting any 2 consecutive bases within chr4:101,032,350-101,032,354 gives the same sequence; the c. name uses the placement nearest the transcript's 3' end. VCF-style (leftmost placement, unchanged base first): chr4-101032349-ACT-A. GRCh37 (hg19) VCF-style: chr4-101953506-ACT-A.
Other names: c.1255_1256del, p.Ser419fs (NM_001130691.2); c.1129_1130del, p.Ser377fs (NM_001130692.2); c.1255_1256delAG (NM_000944.5); short protein forms S377fs, S419fs.
Identifiers: ClinVar variation 496636 (VCV000496636.7), dbSNP rs1553920383, ClinGen allele CA658822063.